The following is an entry in ClinVar:

NM_001386140.1(MTTP):c.1437T>C (p.Asn479=)

Gene: MTTP (microsomal triglyceride transfer protein; plus strand). Cytogenetic location: 4q23.
Variant type: single nucleotide variant.
Coding change: c.1437T>C on transcript NM_001386140.1 (MANE Select); coding-DNA position 1437, T replaced by C.
Protein change: p.Asn479=; no amino-acid change (asparagine 479 retained).
Molecular consequence: synonymous variant.
Genome position (GRCh38, 1-based): chr4:99,606,840, T>C. VCF-style: chr4-99606840-T-C. GRCh37 (hg19) VCF-style: chr4-100527997-T-C.
Other names: p.Asn479=; c.1437T>C, p.Asn479= (NM_000253.4); c.1188T>C, p.Asn396= (NM_001300785.2); c.1437T>C (NM_000253.3).
Identifiers: ClinVar variation 1126149 (VCV001126149.8), dbSNP rs1308100354, ClinGen allele CA440330357.

ClinVar aggregate classification (germline): Likely benign. Review status: criteria provided, multiple submitters, no conflicts (2 of 4 stars). 2 submissions from 2 submitters: Likely benign (2). Last evaluated 2026-02-03.

Allele frequency attached by ClinVar (database versions not stated): TOPMed below 0.00001; gnomAD 0.00001; gnomAD exomes 0.00001.
gnomAD v4.1: 11 of 1,614,042 alleles (0.00068%); highest among the groups gnomAD compares: Non-Finnish European, 0.00085%; no homozygotes.

Submissions (2):

Labcorp Genetics (formerly Invitae), Labcorp
Classification: Likely benign. Last evaluated: 2026-02-03. Review status: criteria provided, single submitter. Criteria: Invitae Variant Classification Sherloc (09022015). Collection method: clinical testing. Allele origin: germline.

Mayo Clinic Laboratories, Mayo Clinic
Classification: Likely benign. Last evaluated: 2025-04-15. Review status: criteria provided, single submitter. Criteria: ACMG Guidelines, 2015. Collection method: clinical testing. Allele origin: germline. Observed: 1 variant allele.
Comment: BP4, BP7